The following is an entry in ClinVar:

NM_003072.5(SMARCA4):c.2576C>T (p.Thr859Met)

Gene: SMARCA4 (SWI/SNF related BAF chromatin remodeling complex subunit ATPase 4; plus strand). Cytogenetic location: 19p13.2.
Variant type: single nucleotide variant.
Coding change: c.2576C>T on transcript NM_003072.5 (MANE Select); coding-DNA position 2576, C replaced by T.
Protein change: p.Thr859Met; replaces threonine 859 with methionine.
Molecular consequence: missense variant. On other transcripts: non-coding transcript variant (1).
Genome position (GRCh38, 1-based): chr19:11,019,661, C>T. VCF-style: chr19-11019661-C-T. GRCh37 (hg19) VCF-style: chr19-11130337-C-T.
Other names: c.2576C>T, p.Thr859Met (NM_001128844.3, NM_001128845.2, NM_001128846.2 and 5 more transcripts); short protein forms T859M.
Identifiers: ClinVar variation 30343 (VCV000030343.10), dbSNP rs281875226, ClinGen allele CA129127.

ClinVar aggregate classification (germline): Conflicting classifications of pathogenicity. Review status: criteria provided, conflicting classifications (1 of 4 stars). 7 submissions from 7 submitters: Pathogenic (3); Likely pathogenic (1); Uncertain significance (1). 2 of the submissions do not count toward it. Last evaluated 2024-02-13.

Conditions:
SMARCA4-related disorder. Also called: SMARCA4-related condition.
Inborn genetic diseases. Identifiers: MedGen C0950123, MeSH D030342.
Intellectual disability, autosomal dominant 16 (CSS4). Also called: COFFIN-SIRIS SYNDROME 4. Identifiers: Orphanet 1465, MedGen C3553249, MONDO:0013821, OMIM 614609.
Intellectual disability. Also called: intellectual disabilities; Intellectual developmental disorder; Intellectual functioning disability. Identifiers: MedGen C3714756, MeSH D008607, MONDO:0001071, HP:0001249.

Submissions (7):

Blueprint Genetics
Classification: Likely pathogenic for SMARCA4-related disorders. Last evaluated: 2024-02-13. Review status: criteria provided, single submitter. Criteria: ACMG Guidelines, 2015. Collection method: clinical testing. Allele origin: germline. Affected: yes. Observed: 2 variant alleles.

GeneDx
Classification: Pathogenic. Last evaluated: 2022-11-30. Review status: criteria provided, single submitter. Criteria: GeneDx Variant Classification Process June 2021. Collection method: clinical testing. Allele origin: germline. Affected: yes.
Comment: Not observed at significant frequency in large population cohorts (gnomAD); In silico analysis supports that this missense variant has a deleterious effect on protein structure/function; This variant is associated with the following publications: (PMID: 31530938, 24658002, 22426308)

Cambridge Genomics Laboratory, East Genomic Laboratory Hub, NHS Genomic Medicine Service
Classification: Pathogenic for Intellectual disability. Last evaluated: 2020-03-12. Review status: criteria provided, single submitter. Criteria: ACGS Best Practice Guidelines for Variant Classification in Rare Disease 2020. Collection method: clinical testing. Allele origin: germline. Affected: yes. Observed: 1 variant allele.

Revvity Omics, Revvity
Classification: Uncertain significance for Intellectual disability, autosomal dominant 16. Last evaluated: 2019-05-27. Review status: criteria provided, single submitter. Criteria: ACMG Guidelines, 2015. Collection method: clinical testing. Allele origin: germline.

Ambry Genetics
Classification: Pathogenic for Inborn genetic diseases. Last evaluated: 2016-04-18. Review status: criteria provided, single submitter. Criteria: Ambry exome assertion method (8-5-2015). Collection method: clinical testing. Allele origin: germline. Affected: yes. Observed: 1 variant allele.

OMIM
Classification: Pathogenic for COFFIN-SIRIS SYNDROME 4. Last evaluated: 2012-03-18. Review status: no assertion criteria provided. Collection method: literature only. Allele origin: germline. Not counted in ClinVar's aggregate classification.

UniProtKB/Swiss-Prot
No classification provided. Review status: no classification provided. Collection method: not provided. Allele origin: not provided. Not counted in ClinVar's aggregate classification.

Literature cited by the submitters: PubMed 22426308 (cited by OMIM).